The following is an entry in ClinVar:

NM_000501.4(ELN):c.685+1_685+5dup

Gene: ELN (elastin; plus strand). Cytogenetic location: 7q11.23.
Variant type: Duplication.
Coding change: c.685+1_685+5dup on transcript NM_000501.4 (MANE Select); the canonical splice donor site of the intron after coding-DNA position 685 through 5 bases into the intron after coding-DNA position 685, 5 bases duplicated (GTGAG; older notation c.685+1_685+5dupGTGAG).
Molecular consequence: splice donor variant. On other transcripts: intron variant (2).
Genome position (GRCh38, 1-based): chr7:74,047,717-74,047,721, GTGAG duplicated; duplicating any 5 consecutive bases within chr7:74,047,716-74,047,721 gives the same sequence; the c. name uses the placement nearest the transcript's 3' end. VCF-style (leftmost placement, unchanged base first): chr7-74047715-T-TGGTGA. GRCh37 (hg19) VCF-style: chr7-73462045-T-TGGTGA.
Other names: c.700+1_700+5dup (NM_001081754.3, NM_001081753.3); c.685+1_685+5dup (NM_001278939.2, NM_001278915.2, NM_001278912.2 and 1 more transcripts); c.644-425_644-421dup (NM_001278916.2); c.578-425_578-421dup (NM_001278913.2); c.670+1_670+5dup (NM_001278914.2); c.655+1_655+5dup (NM_001278917.2, NM_001081752.3); c.553+1_553+5dup (NM_001278918.2).
Identifiers: ClinVar variation 228666 (VCV000228666.4), dbSNP rs876657806, ClinGen allele CA10576728.

ClinVar aggregate classification (germline): Uncertain significance (1 of 4 stars; one submission).

Submission:

Laboratory for Molecular Medicine, Mass General Brigham Personalized Medicine
Classification: Uncertain significance. Last evaluated: 2016-03-23. Review status: criteria provided, single submitter. Criteria: LMM Criteria. Collection method: clinical testing. Allele origin: germline. Observed: 1 variant allele.
Comment: Variant classified as Uncertain Significance - Favor Pathogenic. The c.685+1_685 +5dup variant in ELN has not been previously reported in individuals with congen ital heart defects or in large population studies. This variant is a duplication of 5 bases and is located in the 5' splice region. Computational tools suggest an impact to splicing and splice-site alterations in the ELN gene have been asso ciated with SVAS (Human Genome Mutation Database, HGMD). However, information fo r this variant is insufficient to establish pathogenicity. In summary, while th ere is some suspicion for a pathogenic role, the clinical significance of the c. 685+1_685+5dup variant is uncertain.